The following is an entry in ClinVar:

ClinVar aggregate classification (germline): Uncertain significance (1 of 4 stars; one submission).

Submission:

Labcorp Genetics (formerly Invitae), Labcorp
Classification: Uncertain significance. Last evaluated: 2022-05-20. Review status: criteria provided, single submitter. Criteria: Invitae Variant Classification Sherloc (09022015). Collection method: clinical testing. Allele origin: germline.
Comment: In summary, the available evidence is currently insufficient to determine the role of this variant in disease. Therefore, it has been classified as a Variant of Uncertain Significance. Algorithms developed to predict the effect of missense changes on protein structure and function are either unavailable or do not agree on the potential impact of this missense change (SIFT: "Tolerated"; PolyPhen-2: "Possibly Damaging"; Align-GVGD: "Class C0"). This variant has not been reported in the literature in individuals affected with NEU1-related conditions. This variant is not present in population databases (gnomAD no frequency). This sequence change replaces proline, which is neutral and non-polar, with alanine, which is neutral and non-polar, at codon 271 of the NEU1 protein (p.Pro271Ala).

NM_000434.4(NEU1):c.811C>G (p.Pro271Ala)

Gene: NEU1 (neuraminidase 1; minus strand). Cytogenetic location: 6p21.33.
Variant type: single nucleotide variant.
Coding change: c.811C>G on transcript NM_000434.4 (MANE Select); coding-DNA position 811, C replaced by G.
Protein change: p.Pro271Ala; replaces proline 271 with alanine.
Molecular consequence: missense variant.
Genome position (GRCh38, 1-based): chr6:31,860,252, G>C on the plus strand (C>G on the coding strand, the complement: NEU1 is on the minus strand). VCF-style: chr6-31860252-G-C. GRCh37 (hg19) VCF-style: chr6-31828029-G-C.
Other names: short protein forms P271A.
Identifiers: ClinVar variation 1996882 (VCV001996882.4), dbSNP rs2481395521, ClinGen allele CA363491003.